The following is an entry in ClinVar:

NM_001110556.2(FLNA):c.1396C>T (p.Pro466Ser)

Gene: FLNA (filamin A; minus strand). Cytogenetic location: Xq28.
Variant type: single nucleotide variant.
Coding change: c.1396C>T on transcript NM_001110556.2 (MANE Select); coding-DNA position 1396, C replaced by T.
Protein change: p.Pro466Ser; replaces proline 466 with serine.
Molecular consequence: missense variant.
Genome position (GRCh38, 1-based): chrX:154,366,057, G>A on the plus strand (C>T on the coding strand, the complement: FLNA is on the minus strand). VCF-style: chrX-154366057-G-A. GRCh37 (hg19) VCF-style: chrX-153594425-G-A.
Other names: c.1396C>T (NM_001456.3); c.1396C>T, p.Pro466Ser (NM_001456.4); short protein forms P466S.
Identifiers: ClinVar variation 2149931 (VCV002149931.6), dbSNP rs1263621847, ClinGen allele CA415243666.
Genomic context (GRCh38, chrX:154,366,057, plus strand): 5'-GCAGAGGGCAGTCAGGGCCGGGCCTACCTTGGCCAACAGTGACAGTGTAGGGGCTGCGAG[G>A]GATGGGCACGCCGGCAAACGTGACGTGCACGGTGTGGACGCCCTCCATGGTGGGCTGGTA-3'
Protein context (NP_001104026.1, residues 456-476): VHVTFAGVPI[Pro466Ser]RSPYTVTVGQ

ClinVar aggregate classification (germline): Uncertain significance. Review status: criteria provided, multiple submitters, no conflicts (2 of 4 stars). 3 submissions from 3 submitters: Uncertain significance (3). Last evaluated 2026-09-06.

Conditions:
Familial thoracic aortic aneurysm and aortic dissection (TAAD). Also called: Thoracic aortic aneurysms and dissections. Identifiers: Orphanet 91387, MedGen C4707243, MONDO:0019625.
FG syndrome 2 (FGS2). Identifiers: MedGen C1845902, MONDO:0010297, OMIM 300321.
Melnick-Needles syndrome (MNS). Also called: Melnick-Needles Syndrome (FLNA-MNS); MELNICK-NEEDLES OSTEODYSPLASTY; OSTEODYSPLASTY OF MELNICK AND NEEDLES. Identifiers: Orphanet 2484, MedGen C0025237, MONDO:0010650, OMIM 309350.
Frontometaphyseal dysplasia 1 (FMD1). Also called: Frontometaphyseal Dysplasia (FLNA-FMD). Identifiers: Orphanet 1826, MedGen C4281559, MONDO:0024550, OMIM 305620.
Cardiac valvular dysplasia, X-linked (CVDPX). Also called: FLNA-Related X-linked Cardiac Valvular Dysplasia; Isolated X-Linked Cardiac Valvular Dysplasia; Congenital valvular dysplasia; MYXOMATOUS VALVULAR DYSTROPHY, X-LINKED; VALVULAR HEART DISEASE, CONGENITAL. Identifiers: Orphanet 1864, Orphanet 555877, Orphanet 75497, MedGen C0262436, MONDO:0010753, OMIM 314400.
Oto-palato-digital syndrome, type I (OPD1). Also called: Otopalatodigital Syndrome Type 1 (FLNA-OPD1); OPD I SYNDROME; OPD SYNDROME 1; Taybi syndrome; Otopalatodigital Syndrome, Type I. Identifiers: Orphanet 669, Orphanet 90650, MedGen C0265251, MONDO:0010704, OMIM 311300.
Oto-palato-digital syndrome, type II (OPD2). Also called: Otopalatodigital Syndrome Type 2 (FLNA-OPD2); FACIOPALATOOSSEOUS SYNDROME; OPD II SYNDROME; Otopalatodigital Syndrome, Type II. Identifiers: Orphanet 669, Orphanet 90652, MedGen C1844696, MONDO:0010571, OMIM 304120.
Heterotopia, periventricular, X-linked dominant (PVNH1). Also called: PERIVENTRICULAR NODULAR HETEROTOPIA 4; HETEROTOPIA, PERIVENTRICULAR, 1; PERIVENTRICULAR NODULAR HETEROTOPIA 1; X-linked periventricular heterotopia. Identifiers: Orphanet 2149, Orphanet 82004, MedGen C1848213, MONDO:0010233, OMIM 300049.
Intestinal pseudoobstruction, neuronal, chronic idiopathic, X-linked (CIIPX). Also called: FLNA-Related Periventricular Nodular Heterotopia (FLNA-Related PVNH; Huttenlocher Syndrome); CONGENITAL IDIOPATHIC INTESTINAL PSEUDOOBSTRUCTION; INTESTINAL PSEUDOOBSTRUCTION, NEURONAL, CHRONIC IDIOPATHIC, WITH CENTRAL NERVOUS SYSTEM INVOLVEMENT. Identifiers: Orphanet 2301, MedGen C2746068, MONDO:0010232, OMIM 300048.
Terminal osseous dysplasia-pigmentary defects syndrome. Also called: ODPD; TERMINAL OSSEOUS DYSPLASIA AND PIGMENTARY DEFECTS; ODPF SYNDROME; OSSEOUS DYSPLASIA, DIGITAL, WITH FACIAL PIGMENTARY DEFECTS AND MULTIPLE FRENULA; Terminal Osseous Dysplasia (FLNA-TOD). Identifiers: Orphanet 88630, MedGen C1846129, MONDO:0010279, OMIM 300244.
Frontometaphyseal dysplasia (FMD1). Identifiers: Orphanet 1826, MedGen C0265293, MONDO:0015942.

Allele frequency attached by ClinVar (database versions not stated): gnomAD exomes below 0.00001; TOPMed 0.00001.
gnomAD v4.1: 4 of 1,207,844 alleles (0.00033%); highest among the groups gnomAD compares: Admixed American, 0.0022%; no homozygotes.

Submissions (3):

Ambry Genetics
Classification: Uncertain significance for Familial thoracic aortic aneurysm and aortic dissection. Last evaluated: 2026-09-06. Review status: criteria provided, single submitter. Criteria: Ambry Variant Classification Scheme 2023. Collection method: clinical testing. Allele origin: germline.
Comment: The p.P466S variant (also known as c.1396C>T), located in coding exon 8 of the FLNA gene, results from a C to T substitution at nucleotide position 1396. The proline at codon 466 is replaced by serine, an amino acid with similar properties. This amino acid position is conserved. In addition, this alteration is predicted to be tolerated by in silico analysis. Based on the available evidence, the clinical significance of this variant remains unclear.

Labcorp Genetics (formerly Invitae), Labcorp
Classification: Uncertain significance for Oto-palato-digital syndrome, type II; Heterotopia, periventricular, X-linked dominant; Frontometaphyseal dysplasia; Melnick-Needles syndrome. Last evaluated: 2022-08-22. Review status: criteria provided, single submitter. Criteria: Invitae Variant Classification Sherloc (09022015). Collection method: clinical testing. Allele origin: germline.
Comment: In summary, the available evidence is currently insufficient to determine the role of this variant in disease. Therefore, it has been classified as a Variant of Uncertain Significance. Advanced modeling of protein sequence and biophysical properties (such as structural, functional, and spatial information, amino acid conservation, physicochemical variation, residue mobility, and thermodynamic stability) performed at Invitae indicates that this missense variant is not expected to disrupt FLNA protein function. This variant has not been reported in the literature in individuals affected with FLNA-related conditions. This variant is not present in population databases (gnomAD no frequency). This sequence change replaces proline, which is neutral and non-polar, with serine, which is neutral and polar, at codon 466 of the FLNA protein (p.Pro466Ser).

Department of Pathology and Laboratory Medicine, Sinai Health System
Classification: Uncertain significance for Intestinal pseudoobstruction, neuronal, chronic idiopathic, X-linked; Heterotopia, periventricular, X-linked dominant; Terminal osseous dysplasia-pigmentary defects syndrome; FG syndrome 2; Oto-palato-digital syndrome, type II; Frontometaphyseal dysplasia 1; Melnick-Needles syndrome; Oto-palato-digital syndrome, type I; Cardiac valvular dysplasia, X-linked. Last evaluated: 2021-07-30. Review status: criteria provided, single submitter. Criteria: ACMG Guidelines, 2015. Collection method: research. Allele origin: germline.